The following continues an entry in ClinVar:

NM_007294.4(BRCA1):c.5503C>T (p.Arg1835Ter)

Gene: BRCA1. ClinVar aggregate classification (germline): Pathogenic. Pathogenic (1).

Submissions 10 to 21 of 60:

Genetics Laboratory, Great Ormond Street Hospital NHS Foundation Trust, North Thames Genomic Laboratory Hub
Classification: Pathogenic for Inherited breast cancer and ovarian cancer. Last evaluated: 2025-11-03. Review status: criteria provided, single submitter. Criteria: CanVIG BRCA Gene Specific V1.22. Collection method: clinical testing. Allele origin: germline. Affected: yes. Not counted in ClinVar's aggregate classification.
Comment: PS4_very-strong, PM2_supporting, PVS1_very-strong, PM5_strong, PP4_very-strong

Ambry Genetics
Classification: Pathogenic for Hereditary cancer-predisposing syndrome. Last evaluated: 2025-08-08. Review status: criteria provided, single submitter. Criteria: Ambry Variant Classification Scheme 2023. Collection method: clinical testing. Allele origin: germline. Not counted in ClinVar's aggregate classification.
Comment: The c.5503C>T (p.R1835*) alteration, located in exon 23 (coding exon 22) of the BRCA1 gene, consists of a C to T substitution at nucleotide position 5503. This changes the amino acid from a arginine (R) to a stop codon at amino acid position 1835. This alteration occurs at the 3' terminus of the BRCA1 gene, is not expected to trigger nonsense-mediated mRNA decay, and impacts the last 29 amino acids of the protein. However, premature stop codons are typically deleterious in nature and the impacted region is critical for protein function (Ambry internal data). Based on data from gnomAD, the T allele has an overall frequency of 0.001% (3/251278) total alleles studied. The highest observed frequency was 0.007% (2/30616) of South Asian alleles. This variant has been detected in multiple hereditary breast and ovarian cancer (HBOC) syndrome cohorts to date (Serova, 1996; Rashid, 2016; Meisel, 2017; Brice&ntilde;o-Balc&aacute;zar, 2017; Sun, 2017; Heramb, 2018; Apessos, 2018). Of note, this alteration is also designated as 5622C>T in published literature. One functional study found that this nucleotide substitution is non-functional in a high-throughput, genome editing, haploid cell survival assay (Findlay, 2018). Based on the available evidence, this alteration is classified as pathogenic.

Institute of Immunology and Genetics Kaiserslautern
Classification: Pathogenic for Breast-ovarian cancer, familial, susceptibility to, 1. Last evaluated: 2025-08-04. Review status: criteria provided, single submitter. Criteria: ACMG Guidelines, 2015. Collection method: clinical testing. Allele origin: germline. Affected: yes. Not counted in ClinVar's aggregate classification.
Comment: ACMG Criteria: PVS1, PS3, PS4, PP5_M.

ARUP Laboratories, Molecular Genetics and Genomics, ARUP Laboratories
Classification: Pathogenic. Last evaluated: 2025-04-28. Review status: criteria provided, single submitter. Criteria: ARUP Molecular Germline Variant Investigation Process 2024. Collection method: clinical testing. Allele origin: germline. Not counted in ClinVar's aggregate classification.
Comment: The BRCA1 c.5503C>T; p.Arg1835Ter variant (rs41293465, ClinVar Variation ID: 55601) is reported in the literature in numerous individuals and families affected with breast and/or ovarian cancer (Cunningham 2014, Meindl 2002, Rashid 2016, Serova 1996, van der Hout 2006). This variant is observed on only three alleles in the Genome Aggregation Database (v2.1.1), indicating it is not a common polymorphism. This variant induces an early termination codon and while the mRNA is not subject to nonsense-mediated decay (Perrin-Vidoz 2002), this variant truncates the last 28 amino acids of the BRCA1 protein and disrupts the functionally important BRCT2 domain (Vallon-Christersson 2001, Ye 2001). Indeed, functional studies indicate that cultured cells expressing this variant exhibit abnormal chromatin unfolding (Ye 2001). Based on available information, this variant is considered to be pathogenic. References: Cunningham JM et al. Clinical characteristics of ovarian cancer classified by BRCA1, BRCA2, and RAD51C status. Sci Rep. 2014 Feb 7;4:4026. Meindl A et al. Comprehensive analysis of 989 patients with breast or ovarian cancer provides BRCA1 and BRCA2 mutation profiles and frequencies for the German population. Int J Cancer. 2002 Feb 1;97(4):472-80. Perrin-Vidoz L et al. The nonsense-mediated mRNA decay pathway triggers degradation of most BRCA1 mRNAs bearing premature termination codons. Hum Mol Genet. 2002 Nov 1;11(23):2805-14. Rashid MU et al. High prevalence and predominance of BRCA1 germline mutations in Pakistani triple-negative breast cancer patients. BMC Cancer. 2016 Aug 23;16(1):673. Serova O et al. A high incidence of BRCA1 mutations in 20 breast-ovarian cancer families. Am J Hum Genet. 1996 Jan;58(1):42-51. Vallon-Christersson J et al. Functional analysis of BRCA1 C-terminal missense mutations identified in breast and ovarian cancer families. Hum Mol Genet. 2001 Feb 15;10(4):353-60. van der Hout AH et al. A DGGE system for comprehensive mutation screening of BRCA1 and BRCA2: application in a Dutch cancer clinic setting. Hum Mutat. 2006 Jul;27(7):654-66. Ye Q et al. BRCA1-induced large-scale chromatin unfolding and allele-specific effects of cancer-predisposing mutations. J Cell Biol. 2001 Dec 10;155(6):911-21.

Laboratory of Genetics, Children's Clinical University Hospital Latvia
Classification: Pathogenic. Last evaluated: 2025-02-16. Review status: criteria provided, single submitter. Criteria: ACMG Guidelines, 2015. Collection method: clinical testing. Allele origin: germline. Affected: yes. Not counted in ClinVar's aggregate classification.

Blueprint Genetics
Classification: Pathogenic for BRCA1-related disorders. Last evaluated: 2024-11-25. Review status: criteria provided, single submitter. Criteria: ACMG Guidelines, 2015. Collection method: clinical testing. Allele origin: germline. Affected: yes. Observed: 3 variant alleles. Not counted in ClinVar's aggregate classification.

Genomics and Molecular Medicine Service, East Genomic Laboratory Hub, NHS Genomic Medicine Service
Classification: Pathogenic for Inherited breast cancer and ovarian cancer. Last evaluated: 2024-07-25. Review status: criteria provided, single submitter. Criteria: ACGS Best Practice Guidelines for Variant Classification in Rare Disease 2020. Collection method: clinical testing. Allele origin: germline. Affected: yes. Not counted in ClinVar's aggregate classification.
Comment: PVS1,PM5_Strong

Department of Clinical Genetics, Copenhagen University Hospital, Rigshospitalet
Classification: Pathogenic for Breast-ovarian cancer, familial, susceptibility to, 1. Last evaluated: 2024-05-27. Review status: criteria provided, single submitter. Criteria: ACMG Guidelines, 2015. Collection method: clinical testing. Allele origin: germline. Affected: yes. Not counted in ClinVar's aggregate classification.
Comment: PVS1; PM5_PTC_Strong

Quest Diagnostics Nichols Institute San Juan Capistrano
Classification: Pathogenic. Last evaluated: 2024-02-26. Review status: criteria provided, single submitter. Criteria: Quest Diagnostics criteria. Collection method: clinical testing. Allele origin: unknown. Not counted in ClinVar's aggregate classification.
Comment: The BRCA1 c.5503C>T (p.Arg1835*) variant causes the premature termination of BRCA1 protein synthesis. This variant has been reported in the published literature in multiple individuals with breast and/or ovarian cancer (PMIDs: 8554067 (1996), 16998791 (2006), 24504028 (2014), 27553291 (2016), 29021639 (2017), 28724667 (2017), and 29446198 (2018)). Functional studies found that this variant was damaging to protein function (PMIDs: 29280214 (2018) and 30209399 (2018)). The frequency of this variant in the general population, 0.000012 (3/251278 chromosomes (Genome Aggregation Database)), is consistent with pathogenicity. Based on the available information, this variant is classified as pathogenic.

All of Us Research Program, National Institutes of Health
Classification: Pathogenic for Breast-ovarian cancer, familial, susceptibility to, 1. Last evaluated: 2024-01-08. Review status: criteria provided, single submitter. Criteria: ACMG Guidelines, 2015. Collection method: clinical testing. Allele origin: germline. Inheritance: Autosomal dominant inheritance. Observed: 5 variant alleles, 5 heterozygotes. Not counted in ClinVar's aggregate classification.
Comment: This variant changes 1 nucleotide in exon 23 of the BRCA1 gene, creating a premature translation stop signal. This variant is expected to result in an absent or non-functional protein product. This variant has been reported to result in the loss of BRCA1 protein function in a haploid cell proliferation assay (PMID: 30209399). This variant has been reported in more than twenty individuals affected with breast and/or ovarian cancer (PMID: 8554067, 9760198, 10505028, 11260866, 16644204, 16683254, 20104584, 20727672, 24504028, 24549055, 25682074, 26187060, 26541979, 27153395, 27553291, 28324225, 28423363, 28724667, 29339979, 29470806, 31209999) and has been identified in over 100 families among the CIMBA participants (PMID: 29446198). This variant has been identified in 3/251278 chromosomes in the general population by the Genome Aggregation Database (gnomAD). Loss of BRCA1 function is a known mechanism of disease. Based on the available evidence, this variant is classified as Pathogenic.

This study involves interpretation of variants in research participants for the purpose of population health screening. Participant phenotype was not available at the time of variant classification. Additional details can be found in publication PMID: 35346344, PMCID: PMC8962531

Institute of Human Genetics, University of Leipzig Medical Center
Classification: Pathogenic for Breast-ovarian cancer, familial, susceptibility to, 1. Last evaluated: 2023-11-23. Review status: criteria provided, single submitter. Criteria: ACMG Guidelines, 2015. Collection method: clinical testing. Allele origin: unknown. Inheritance: Autosomal dominant inheritance. Affected: yes. Not counted in ClinVar's aggregate classification.
Comment: Criteria applied: PVS1,PS3,PM5_PTC

Revvity Omics, Revvity
Classification: Pathogenic. Last evaluated: 2023-11-17. Review status: criteria provided, single submitter. Criteria: ACMG Guidelines, 2015. Collection method: clinical testing. Allele origin: germline. Not counted in ClinVar's aggregate classification.